The following is an entry in ClinVar:

ClinVar aggregate classification (germline): Uncertain significance (1 of 4 stars; one submission).

Conditions:
Developmental and epileptic encephalopathy 94 (DEE94). Also called: Epileptic encephalopathy, childhood-onset; CHD2-Related Neurodevelopmental Disorders. Identifiers: Orphanet 1942, Orphanet 2382, MedGen C3809278, MONDO:0014150, OMIM 615369.

Submission:

Labcorp Genetics (formerly Invitae), Labcorp
Classification: Uncertain significance for Developmental and epileptic encephalopathy 94. Last evaluated: 2024-10-09. Review status: criteria provided, single submitter. Criteria: Invitae Variant Classification Sherloc (09022015). Collection method: clinical testing. Allele origin: germline.
Comment: This sequence change replaces glycine, which is neutral and non-polar, with arginine, which is basic and polar, at codon 353 of the CHD2 protein (p.Gly353Arg). This variant is not present in population databases (gnomAD no frequency). This variant has not been reported in the literature in individuals affected with CHD2-related conditions. Invitae Evidence Modeling of protein sequence and biophysical properties (such as structural, functional, and spatial information, amino acid conservation, physicochemical variation, residue mobility, and thermodynamic stability) indicates that this missense variant is not expected to disrupt CHD2 protein function with a negative predictive value of 95%. In summary, the available evidence is currently insufficient to determine the role of this variant in disease. Therefore, it has been classified as a Variant of Uncertain Significance.

NM_001271.4(CHD2):c.1057G>C (p.Gly353Arg)

Gene: CHD2 (chromodomain helicase DNA binding protein 2; plus strand). Cytogenetic location: 15q26.1.
Variant type: single nucleotide variant.
Coding change: c.1057G>C on transcript NM_001271.4 (MANE Select); coding-DNA position 1057, G replaced by C.
Protein change: p.Gly353Arg; replaces glycine 353 with arginine.
Molecular consequence: missense variant.
Genome position (GRCh38, 1-based): chr15:92,944,419, G>C. VCF-style: chr15-92944419-G-C. GRCh37 (hg19) VCF-style: chr15-93487649-G-C.
Other names: c.1057G>C, p.Gly353Arg (NM_001042572.3); short protein forms G353R.
Identifiers: ClinVar variation 3636668 (VCV003636668.2).